The following is an entry in ClinVar:

NM_001372044.2(SHANK3):c.3712C>G (p.Pro1238Ala)

Gene: SHANK3 (SH3 and multiple ankyrin repeat domains 3; plus strand). Cytogenetic location: 22q13.33.
Variant type: single nucleotide variant.
Coding change: c.3712C>G on transcript NM_001372044.2 (MANE Select); coding-DNA position 3712, C replaced by G.
Protein change: p.Pro1238Ala; replaces proline 1238 with alanine.
Molecular consequence: missense variant.
Genome position (GRCh38, 1-based): chr22:50,721,320, C>G. VCF-style: chr22-50721320-C-G. GRCh37 (hg19) VCF-style: chr22-51159748-C-G.
Other names: short protein forms P1238A.
Identifiers: ClinVar variation 4883796 (VCV004883796.2).

ClinVar aggregate classification (germline): Uncertain significance (1 of 4 stars; one submission).

Submission:

Dasa
Classification: Uncertain significance. Last evaluated: 2025-06-13. Review status: criteria provided, single submitter. Criteria: DASA Assertion Criteria. Collection method: clinical testing. Allele origin: germline.
Comment: NM_001372044.2(SHANK3):c.3712C>G (p.Pro1238Ala) is a missense variant that results in the substitution of proline with alanine. This variant is absent from population databases. Computational prediction algorithms are consistent with a benign effect. The currently available literature and clinical evidence are not sufficient to establish a definitive association between this variant and the reported condition. Therefore, this variant is classified as a variant of uncertain significance.